The following is an entry in ClinVar:

NM_004004.6(GJB2):c.533T>C (p.Val178Ala)

Gene: GJB2 (gap junction protein beta 2; minus strand). Cytogenetic location: 13q12.11.
Variant type: single nucleotide variant.
Coding change: c.533T>C on transcript NM_004004.6 (MANE Select); coding-DNA position 533, T replaced by C.
Protein change: p.Val178Ala; replaces valine 178 with alanine.
Molecular consequence: missense variant.
Genome position (GRCh38, 1-based): chr13:20,189,049, A>G on the plus strand (T>C on the coding strand, the complement: GJB2 is on the minus strand). VCF-style: chr13-20189049-A-G. GRCh37 (hg19) VCF-style: chr13-20763188-A-G.
Other names: short protein forms V178A.
Identifiers: ClinVar variation 550961 (VCV000550961.20), dbSNP rs568612627, ClinGen allele CA6904243.

ClinVar aggregate classification (germline): Conflicting classifications of pathogenicity. Review status: criteria provided, conflicting classifications (1 of 4 stars). 6 submissions from 6 submitters: Pathogenic (2); Likely pathogenic (2); Uncertain significance (1). 1 of the submissions does not count toward it. Last evaluated 2026-08-11.

Conditions:
Autosomal recessive nonsyndromic hearing loss 1A (DFNB1A). Also called: GJB6-Related DFNB 1 Nonsyndromic Hearing Loss and Deafness; Nonsyndromic Hearing Loss and Deafness, DFNB1; GJB2-Related Autosomal Recessive Nonsyndromic Hearing Loss; Deafness, autosomal recessive 1A; Connexin 26 deafness; Deafness nonsyndromic, Connexin 26 linked. Identifiers: Orphanet 90636, MedGen C2673759, MONDO:0009076, OMIM 220290.
GJB2-related disorder. Also called: GJB2-related condition; GJB2-related disorders. Identifiers: MedGen CN382183, MONDO:1060236.
Nonsyndromic genetic hearing loss. Also called: Nonsyndromic genetic deafness; Nonsyndromic hearing loss and deafness; Non-syndromic genetic deafness. Identifiers: Orphanet 87884, MedGen C5680182, MONDO:0019497.

Allele frequency attached by ClinVar (database versions not stated): gnomAD 0.00005 and 0.00004; TOPMed 0.00006; 1000 Genomes Project 0.00040; 1000 Genomes Project 30x 0.00047; gnomAD exomes 0.00001 and 0.00002; ExAC 0.00002.
gnomAD v4.1: 15 of 1,614,134 alleles (0.00093%); highest among the groups gnomAD compares: African/African-American, 0.02%; no homozygotes.

Submissions (6):

PreventionGenetics, part of Exact Sciences
Classification: Uncertain significance for GJB2-related condition. Last evaluated: 2026-08-11. Review status: criteria provided, single submitter. Criteria: ACMG Guidelines, 2015. Collection method: clinical testing. Allele origin: germline.
Comment: The GJB2 c.533T>C variant is predicted to result in the amino acid substitution p.Val178Ala. This variant has been reported in the homozygous state in three individuals with hearing loss from two families (Hamelmann et al. 2001. PubMed ID: 11439000) as well as in an affected individual who carried a second pathogenic variant in GJB2 (Neocleous et al. 2014. PubMed ID: 25189242). It has also been reported in the heterozygous state without a second potentially causative variant in an individual with hearing loss (Tang et al. 2006. PubMed ID: 17041943). This variant is reported in 0.020% of alleles in individuals of African descent in gnomAD. Although we suspect that this variant may be pathogenic, at this time, the clinical significance of this variant is uncertain due to the absence of conclusive functional and genetic evidence.

Labcorp Genetics (formerly Invitae), Labcorp
Classification: Pathogenic. Last evaluated: 2026-01-14. Review status: criteria provided, single submitter. Criteria: Invitae Variant Classification Sherloc (09022015). Collection method: clinical testing. Allele origin: germline.
Comment: This sequence change replaces valine, which is neutral and non-polar, with alanine, which is neutral and non-polar, at codon 178 of the GJB2 protein (p.Val178Ala). This variant is present in population databases (rs568612627, gnomAD 0.02%). This missense change has been observed in individuals with autosomal recessive non-syndromic deafness (PMID: 11439000, 21392827, 25189242). ClinVar contains an entry for this variant (Variation ID: 550961). Invitae Evidence Modeling of protein sequence and biophysical properties (such as structural, functional, and spatial information, amino acid conservation, physicochemical variation, residue mobility, and thermodynamic stability) indicates that this missense variant is expected to disrupt GJB2 protein function with a positive predictive value of 95%. This variant disrupts the p.Val178 amino acid residue in GJB2. Other variant(s) that disrupt this residue have been observed in individuals with GJB2-related conditions (PMID: 28405014), which suggests that this may be a clinically significant amino acid residue. For these reasons, this variant has been classified as Pathogenic.

Natera, Inc.
Classification: Likely pathogenic for Autosomal recessive deafness type 1A. Last evaluated: 2025-09-15. Review status: criteria provided, single submitter. Criteria: Natera Variant Classification Schema (03/2026). Collection method: clinical testing. Allele origin: germline.
Comment: The c.533T>C variant in GJB2 is a missense variant predicted to cause substitution of valine to alanine at amino acid 178. This variant is rare in the general population with a frequency below the threshold expected for the associated phenotype(s). This variant has been observed in one or more individuals affected with the associated recessive disease, as either homozygous or compound heterozygous with a second variant (PMID: 11439000, 25189242). Additionally, this variant has been observed to segregate in affected family members (PMID: 11439000). Computational prediction algorithms indicate this variant is likely to affect gene or protein function. Given the available evidence, this variant is classified as Likely Pathogenic.

GeneDx
Classification: Likely pathogenic. Last evaluated: 2024-10-13. Review status: criteria provided, single submitter. Criteria: GeneDx Variant Classification Process June 2021. Collection method: clinical testing. Allele origin: germline.
Comment: In silico analysis supports that this missense variant has a deleterious effect on protein structure/function; This variant is associated with the following publications: (PMID: 25447126, 21392827, 25218342, 18368581, 29140768, 16125251, 25388846, 36048236, 31620164, 17041943, 25189242, 11439000, 28405014)

Women's Health and Genetics/Laboratory Corporation of America, LabCorp
Classification: Pathogenic for Nonsyndromic genetic hearing loss. Last evaluated: 2021-10-11. Review status: criteria provided, single submitter. Criteria: LabCorp Variant Classification Summary - May 2015. Collection method: clinical testing. Allele origin: germline.
Comment: Variant summary: GJB2 c.533T>C (p.Val178Ala) results in a non-conservative amino acid change in the encoded protein sequence. Five of five in-silico tools predict a damaging effect of the variant on protein function. The variant allele was found at a frequency of 1.6e-05 in 251290 control chromosomes. c.533T>C has been reported in the literature as a homozygous/compound heterozygous genotype in cohorts of individuals affected with hearing impairment and/or sensorineural hearling loss (SNHL) (example, Hamelmann_2001, Tang_2006, Kabahuma_2011, Neocleous_2014). These data indicate that the variant is very likely to be associated with disease. To our knowledge, no experimental evidence demonstrating an impact on protein function has been reported. Two clinical diagnostic laboratories have submitted clinical-significance assessments for this variant to ClinVar after 2014 without evidence for independent evaluation. All laboratories classified the variant as pathogenic/likely pathogenic citing overlapping evidence utilized in the context of this evaluation. Based on the evidence outlined above, the variant was classified as pathogenic.

Counsyl
Classification: Likely pathogenic for Autosomal recessive nonsyndromic hearing loss 1A. Last evaluated: 2017-03-03. Review status: no assertion criteria provided. Collection method: clinical testing. Allele origin: unknown. Not counted in ClinVar's aggregate classification.

Literature cited by the submitters: PubMed 11439000 (cited by 4 submitters); PubMed 21392827 (cited by Labcorp Genetics (formerly Invitae), Labcorp and Women's Health and Genetics/Laboratory Corporation of America, LabCorp); PubMed 25189242 (cited by 4 submitters); PubMed 28405014 (cited by Labcorp Genetics (formerly Invitae), Labcorp); PubMed 17041943 (cited by Women's Health and Genetics/Laboratory Corporation of America, LabCorp and Counsyl).